The following is an entry in ClinVar:

NM_001083962.2(TCF4):c.128G>T (p.Gly43Val)

Gene: TCF4 (transcription factor 4; minus strand). Cytogenetic location: 18q21.2.
Variant type: single nucleotide variant.
Coding change: c.128G>T on transcript NM_001083962.2 (MANE Select); coding-DNA position 128, G replaced by T.
Protein change: p.Gly43Val; replaces glycine 43 with valine.
Molecular consequence: missense variant.
Genome position (GRCh38, 1-based): chr18:55,585,297, C>A on the plus strand (G>T on the coding strand, the complement: TCF4 is on the minus strand). VCF-style: chr18-55585297-C-A. GRCh37 (hg19) VCF-style: chr18-53252528-C-A.
Other names: c.434G>T, p.Gly145Val (NM_001243226.3); c.56G>T, p.Gly19Val (NM_001243227.2, NM_001306207.1, NM_001348217.1 and 15 more transcripts); c.128G>T, p.Gly43Val (NM_001243228.2, NM_001330604.3, NM_001369567.1 and 8 more transcripts); c.122G>T, p.Gly41Val (NM_001243230.2); short protein forms G145V, G19V, G41V, G43V.
Identifiers: ClinVar variation 3769328 (VCV003769328.2).

ClinVar aggregate classification (germline): Uncertain significance (1 of 4 stars; one submission).

Submission:

Women's Health and Genetics/Laboratory Corporation of America, LabCorp
Classification: Uncertain significance. Last evaluated: 2025-01-02. Review status: criteria provided, single submitter. Criteria: LabCorp Variant Classification Summary - May 2015. Collection method: clinical testing. Allele origin: germline.
Comment: Variant summary: TCF4 c.128G>T (p.Gly43Val) results in a non-conservative amino acid change in the encoded protein sequence. Three of five in-silico tools predict a damaging effect of the variant on protein function. The variant was absent in 251266 control chromosomes. The available data on variant occurrences in the general population are insufficient to allow any conclusion about variant significance. To our knowledge, no occurrence of c.128G>T in individuals affected with Pitt-Hopkins Syndrome and no experimental evidence demonstrating its impact on protein function have been reported. No submitters have cited clinical-significance assessments for this variant to ClinVar. Based on the evidence outlined above, the variant was classified as uncertain significance.